The following is an entry in ClinVar:

NM_005120.3(MED12):c.267T>C (p.Thr89=)

Gene: MED12 (mediator complex subunit 12; plus strand). Cytogenetic location: Xq13.1.
Variant type: single nucleotide variant.
Coding change: c.267T>C on transcript NM_005120.3 (MANE Select); coding-DNA position 267, T replaced by C.
Protein change: p.Thr89=; no amino-acid change (threonine 89 retained).
Molecular consequence: synonymous variant.
Genome position (GRCh38, 1-based): chrX:71,119,748, T>C. VCF-style: chrX-71119748-T-C. GRCh37 (hg19) VCF-style: chrX-70339598-T-C.
Identifiers: ClinVar variation 2033562 (VCV002033562.4), dbSNP rs2519662421, ClinGen allele CA516818324.

ClinVar aggregate classification (germline): Uncertain significance (1 of 4 stars; one submission).

Conditions:
FG syndrome (FGS). Identifiers: MedGen C0220769, MONDO:0002010.

Submission:

Labcorp Genetics (formerly Invitae), Labcorp
Classification: Uncertain significance for FG syndrome. Last evaluated: 2022-10-01. Review status: criteria provided, single submitter. Criteria: Invitae Variant Classification Sherloc (09022015). Collection method: clinical testing. Allele origin: germline.
Comment: In summary, the available evidence is currently insufficient to determine the role of this variant in disease. Therefore, it has been classified as a Variant of Uncertain Significance. Algorithms developed to predict the effect of sequence changes on RNA splicing suggest that this variant may disrupt the consensus splice site. This variant has not been reported in the literature in individuals affected with MED12-related conditions. This variant is not present in population databases (gnomAD no frequency). This sequence change affects codon 89 of the MED12 mRNA. It is a 'silent' change, meaning that it does not change the encoded amino acid sequence of the MED12 protein.